The following is an entry in ClinVar:

ClinVar aggregate classification (germline): Likely benign (1 of 4 stars; one submission).

Conditions:
PLXNA3-related disorder. Also called: PLXNA3-related condition.

gnomAD v4.1: 43 of 1,210,133 alleles (0.0036%); highest among the groups gnomAD compares: South Asian, 0.028%; 1 homozygote.

Submission:

PreventionGenetics, part of Exact Sciences
Classification: Likely benign for PLXNA3-related condition. Last evaluated: 2025-07-24. Review status: criteria provided, single submitter. Criteria: ACMG Guidelines, 2015. Collection method: clinical testing. Allele origin: germline.
Comment: This variant is classified as likely benign based on ACMG/AMP sequence variant interpretation guidelines (Richards et al. 2015 PMID: 25741868, with internal and published modifications).

NM_017514.5(PLXNA3):c.2841G>A (p.Ala947=)

Gene: PLXNA3 (plexin A3; plus strand). Cytogenetic location: Xq28.
Variant type: single nucleotide variant.
Coding change: c.2841G>A on transcript NM_017514.5 (MANE Select); coding-DNA position 2841, G replaced by A.
Protein change: p.Ala947=; no amino-acid change (alanine 947 retained).
Molecular consequence: synonymous variant.
Genome position (GRCh38, 1-based): chrX:154,466,417, G>A. VCF-style: chrX-154466417-G-A. GRCh37 (hg19) VCF-style: chrX-153694760-G-A.
Identifiers: ClinVar variation 4979576 (VCV004979576.1).
Genomic context (GRCh38, chrX:154,466,417, plus strand): 5'-AGGGCAGCTTCTCCCGCAGACCCCAACGTTTGACCAAGTGAGTCCCAGCCGTGGCCCGGC[G>A]TCCGGGGGCACACGGCTTACCATCTCAGGCAGCTCTCTGGATGCTGGCAGCAGGGTCACA-3'
Protein context (NP_059984.3, residues 937-957): FDQVSPSRGP[Ala947=]SGGTRLTISG